The following is an entry in ClinVar:

NM_000939.4(POMC):c.442A>G (p.Lys148Glu)

Gene: POMC (proopiomelanocortin; minus strand). Cytogenetic location: 2p23.3.
Variant type: single nucleotide variant.
Coding change: c.442A>G on transcript NM_000939.4 (MANE Select); coding-DNA position 442, A replaced by G.
Protein change: p.Lys148Glu; replaces lysine 148 with glutamic acid.
Molecular consequence: missense variant.
Genome position (GRCh38, 1-based): chr2:25,161,443, T>C on the plus strand (A>G on the coding strand, the complement: POMC is on the minus strand). VCF-style: chr2-25161443-T-C. GRCh37 (hg19) VCF-style: chr2-25384312-T-C.
Other names: c.442A>G, p.Lys148Glu (NM_001035256.3, NM_001319204.2, NM_001319205.2); c.442A>G (NM_000939.3); short protein forms K148E.
Identifiers: ClinVar variation 2249319 (VCV002249319.3), dbSNP rs1402453151, ClinGen allele CA346067049.

ClinVar aggregate classification (germline): Uncertain significance. Review status: criteria provided, single submitter (1 of 4 stars). 2 submissions from 2 submitters: Uncertain significance (1). 1 of the submissions does not count toward it. Last evaluated 2022-10-04.

Conditions:
Inborn genetic diseases. Identifiers: MedGen C0950123, MeSH D030342.
POMC-related disorder. Also called: POMC-related condition; POMC-related disorders.

Allele frequency attached by ClinVar (database versions not stated): gnomAD exomes below 0.00001; gnomAD 0.00001; TOPMed 0.00002.
gnomAD v4.1: 4 of 1,610,510 alleles (0.00025%); highest among the groups gnomAD compares: Non-Finnish European, 0.00025%; no homozygotes.

Submissions (2):

Ambry Genetics
Classification: Uncertain significance for Inborn genetic diseases. Last evaluated: 2022-10-04. Review status: criteria provided, single submitter. Criteria: Ambry Variant Classification Scheme 2023. Collection method: clinical testing. Allele origin: germline.

PreventionGenetics, part of Exact Sciences
Classification: Uncertain significance for POMC-related condition. Last evaluated: 2024-09-03. Review status: no assertion criteria provided. Collection method: clinical testing. Allele origin: germline. Not counted in ClinVar's aggregate classification.
Comment: The POMC c.442A>G variant is predicted to result in the amino acid substitution p.Lys148Glu. This variant was observed in a cohort of obese individuals, and in vitro functional studies showed supporting evidence of loss of function (Supplemental Data Set, Shah et al. 2023. PubMed ID: 36864747). This variant is reported in 0.00093% of alleles in individuals of European (Non-Finnish) descent in gnomAD. Although we suspect that this variant may be pathogenic, at this time, the clinical significance of this variant is uncertain due to the absence of conclusive functional and genetic evidence.